The following is an entry in ClinVar:

ClinVar aggregate classification (germline): Benign (1 of 4 stars; one submission).

Allele frequency attached by ClinVar (database versions not stated): TOPMed 0.03168; 1000 Genomes Project 0.03614; 1000 Genomes Project 30x 0.03951.
gnomAD v4.1: 8,174 of 1,254,554 alleles (0.65%); highest among the groups gnomAD compares: African/African-American, 10%; 407 homozygotes.

Submission:

GeneDx
Classification: Benign. Last evaluated: 2018-06-14. Review status: criteria provided, single submitter. Criteria: GeneDx Variant Classification (06012015). Collection method: clinical testing. Allele origin: germline. Affected: yes.
Comment: This variant is considered likely benign or benign based on one or more of the following criteria: it is a conservative change, it occurs at a poorly conserved position in the protein, it is predicted to be benign by multiple in silico algorithms, and/or has population frequency not consistent with disease.

NM_000089.4(COL1A2):c.3267+94G>T

Gene: COL1A2 (collagen type I alpha 2 chain; plus strand). Cytogenetic location: 7q21.3.
Variant type: single nucleotide variant.
Coding change: c.3267+94G>T on transcript NM_000089.4 (MANE Select); 94 bases into the intron after coding-DNA position 3267, G replaced by T.
Molecular consequence: intron variant.
Genome position (GRCh38, 1-based): chr7:94,427,389, G>T. VCF-style: chr7-94427389-G-T. GRCh37 (hg19) VCF-style: chr7-94056701-G-T.
Identifiers: ClinVar variation 675212 (VCV000675212.1), dbSNP rs75610664, ClinGen allele CA162940954.